The following is an entry in ClinVar:

ClinVar aggregate classification (germline): Likely benign. Review status: criteria provided, multiple submitters, no conflicts (2 of 4 stars). 2 submissions from 2 submitters: Likely benign (2). Last evaluated 2025-10-07.

Submissions (2):

Labcorp Genetics (formerly Invitae), Labcorp
Classification: Likely benign. Last evaluated: 2025-10-07. Review status: criteria provided, single submitter. Criteria: Invitae Variant Classification Sherloc (09022015). Collection method: clinical testing. Allele origin: germline.

CeGaT Center for Human Genetics Tuebingen
Classification: Likely benign. Last evaluated: 2024-12-01. Review status: criteria provided, single submitter. Criteria: CeGaT Center For Human Genetics Tuebingen Variant Classification Criteria Version 2. Collection method: clinical testing. Allele origin: germline. Affected: yes. Observed: 1 variant allele.
Comment: ERCC3: BP4, BP7

NM_000122.2(ERCC3):c.1203C>A (p.Ile401=)

Gene: ERCC3 (ERCC excision repair 3, TFIIH core complex helicase subunit; minus strand). Cytogenetic location: 2q14.3.
Variant type: single nucleotide variant.
Coding change: c.1203C>A on transcript NM_000122.2 (MANE Select); coding-DNA position 1203, C replaced by A.
Protein change: p.Ile401=; no amino-acid change (isoleucine 401 retained).
Molecular consequence: synonymous variant.
Genome position (GRCh38, 1-based): chr2:127,286,842, G>T on the plus strand (C>A on the coding strand, the complement: ERCC3 is on the minus strand). VCF-style: chr2-127286842-G-T. GRCh37 (hg19) VCF-style: chr2-128044418-G-T.
Other names: c.1011C>A, p.Ile337= (NM_001303416.2, NM_001303418.2).
Identifiers: ClinVar variation 3605896 (VCV003605896.15).